The following is an entry in ClinVar:

ClinVar aggregate classification (germline): Conflicting classifications of pathogenicity. Review status: criteria provided, conflicting classifications (1 of 4 stars). 5 submissions from 5 submitters: Uncertain significance (2); Likely benign (2). 1 of the submissions does not count toward it. Last evaluated 2024-11-27.

Conditions:
RGS9-related disorder. Also called: RGS9-related condition.
Inborn genetic diseases. Identifiers: MedGen C0950123, MeSH D030342.

Allele frequency attached by ClinVar (database versions not stated): 1000 Genomes Project 30x 0.00016; 1000 Genomes Project 0.00020; gnomAD 0.00178 and 0.00184; TOPMed 0.00178; gnomAD exomes 0.00188 and 0.00227; ExAC 0.00212.

Submissions (5):

Blueprint Genetics
Classification: Likely benign. Last evaluated: 2024-11-27. Review status: criteria provided, single submitter. Criteria: ACMG Guidelines, 2015. Collection method: clinical testing. Allele origin: germline.

Ambry Genetics
Classification: Uncertain significance for Inborn genetic diseases. Last evaluated: 2021-06-21. Review status: criteria provided, single submitter. Criteria: Ambry Variant Classification Scheme 2023. Collection method: clinical testing. Allele origin: germline.

Labcorp Genetics (formerly Invitae), Labcorp
Classification: Likely benign. Last evaluated: 2018-04-10. Review status: criteria provided, single submitter. Criteria: Invitae Variant Classification Sherloc (09022015). Collection method: clinical testing. Allele origin: germline.

CeGaT Center for Human Genetics Tuebingen
Classification: Uncertain significance. Last evaluated: 2017-11-01. Review status: criteria provided, single submitter. Criteria: CeGaT Center For Human Genetics Tuebingen Variant Classification Criteria Version 2. Collection method: clinical testing. Allele origin: germline. Affected: yes. Observed: 2 variant alleles.

PreventionGenetics, part of Exact Sciences
Classification: Likely benign for RGS9-related condition. Last evaluated: 2022-02-22. Review status: no assertion criteria provided. Collection method: clinical testing. Allele origin: germline. Not counted in ClinVar's aggregate classification.
Comment: This variant is classified as likely benign based on ACMG/AMP sequence variant interpretation guidelines (Richards et al. 2015 PMID: 25741868, with internal and published modifications).

NM_003835.4(RGS9):c.313A>G (p.Thr105Ala)

Gene: RGS9 (regulator of G protein signaling 9; plus strand). Cytogenetic location: 17q24.1.
Variant type: single nucleotide variant.
Coding change: c.313A>G on transcript NM_003835.4 (MANE Select); coding-DNA position 313, A replaced by G.
Protein change: p.Thr105Ala; replaces threonine 105 with alanine.
Molecular consequence: missense variant.
Genome position (GRCh38, 1-based): chr17:65,160,536, A>G. VCF-style: chr17-65160536-A-G. GRCh37 (hg19) VCF-style: chr17-63156654-A-G.
Other names: c.313A>G, p.Thr105Ala (NM_001081955.3, NM_001165933.2); short protein forms T105A.
Identifiers: ClinVar variation 444412 (VCV000444412.50), dbSNP rs200798153, ClinGen allele CA8717602.